The following is an entry in ClinVar:

ClinVar aggregate classification (germline): Pathogenic. Review status: criteria provided, multiple submitters, no conflicts (2 of 4 stars). 2 submissions from 2 submitters: Pathogenic (2). Last evaluated 2023-05-15.

Conditions:
Hereditary breast ovarian cancer syndrome. Also called: Hereditary breast and ovarian cancer syndrome (HBOC); Breast and ovarian cancer; BRCA1- and BRCA2-Associated Hereditary Breast and Ovarian Cancer; Hereditary breast and/or ovarian cancer syndrome; Hereditary breast and ovarian cancer; Hereditary breast and ovarian cancer syndrome. Identifiers: Orphanet 145, MedGen C0677776, MeSH D061325, MONDO:0003582. Disease mechanism: loss of function.

Submissions (2):

Women's Health and Genetics/Laboratory Corporation of America, LabCorp
Classification: Pathogenic for Hereditary breast ovarian cancer syndrome. Last evaluated: 2023-05-15. Review status: criteria provided, single submitter. Criteria: LabCorp Variant Classification Summary - May 2015. Collection method: clinical testing. Allele origin: germline.
Comment: Variant summary: BRCA1 c.4768delG (p.Val1590LeufsX11) results in a premature termination codon, predicted to cause a truncation of the encoded protein or absence of the protein due to nonsense mediated decay, which are commonly known mechanisms for disease. The variant was absent in 251400 control chromosomes. To our knowledge, no occurrence of c.4768delG in individuals affected with Hereditary Breast And Ovarian Cancer Syndrome and no experimental evidence demonstrating its impact on protein function have been reported. One clinical diagnostic laboratory has submitted clinical-significance assessments for this variant to ClinVar after 2014 and classified the variant as pathogenic. Based on the evidence outlined above, the variant was classified as pathogenic.

Labcorp Genetics (formerly Invitae), Labcorp
Classification: Pathogenic for Hereditary breast ovarian cancer syndrome. Last evaluated: 2023-02-23. Review status: criteria provided, single submitter. Criteria: Invitae Variant Classification Sherloc (09022015). Collection method: clinical testing. Allele origin: germline.
Comment: ClinVar contains an entry for this variant (Variation ID: 1434125). For these reasons, this variant has been classified as Pathogenic. This variant has not been reported in the literature in individuals affected with BRCA1-related conditions. This variant is not present in population databases (gnomAD no frequency). This sequence change creates a premature translational stop signal (p.Val1590Leufs*11) in the BRCA1 gene. It is expected to result in an absent or disrupted protein product. Loss-of-function variants in BRCA1 are known to be pathogenic (PMID: 20104584).

Literature cited by the submitters: PubMed 20104584 (cited by Labcorp Genetics (formerly Invitae), Labcorp).

NM_007294.4(BRCA1):c.4768del (p.Val1590fs)

Gene: BRCA1 (BRCA1 DNA repair associated; minus strand). Cytogenetic location: 17q21.31.
Variant type: Deletion.
Coding change: c.4768del on transcript NM_007294.4 (MANE Select); coding-DNA position 4768, one base deleted (G; older notation c.4768delG).
Protein change: p.Val1590fs; shifts the reading frame from valine 1590.
Molecular consequence: frameshift variant. On other transcripts: non-coding transcript variant (1).
Genome position (GRCh38, 1-based): chr17:43,071,146, C deleted on the plus strand (G on the coding strand, the reverse complement: BRCA1 is on the minus strand). VCF-style (leftmost placement, unchanged base first): chr17-43071145-AC-A. GRCh37 (hg19) VCF-style: chr17-41223162-AC-A.
Other names: c.4624delG, p.Val1542Leufs (NM_001407752.1, NM_001407732.1, NM_001407733.1 and 21 more transcripts); c.4621delG, p.Val1541Leufs (NM_001407838.1, NM_001407839.1, NM_001407841.1 and 12 more transcripts); c.4555delG, p.Val1519Leufs (NM_001407571.1, NM_001407894.1, NM_001407895.1 and 12 more transcripts); c.4834delG, p.Val1612Leufs (NM_001407581.1, NM_001407582.1); c.4831delG, p.Val1611Leufs (NM_001407583.1, NM_001407585.1, NM_001407587.1); c.4828delG, p.Val1610Leufs (NM_001407590.1, NM_001407591.1); c.4768delG, p.Val1590Leufs (NM_001407593.1, NM_001407594.1, NM_001407596.1 and 8 more transcripts); c.4765delG, p.Val1589Leufs (NM_001407610.1, NM_001407611.1, NM_001407612.1 and 17 more transcripts); and 73 more; short protein forms V1611fs, V486fs, V1543fs, V1590fs.
Identifiers: ClinVar variation 1434125 (VCV001434125.8), dbSNP rs2153864590, ClinGen allele CA2573154035.